The following is an entry in ClinVar:

ClinVar aggregate classification (germline): Likely pathogenic. Review status: criteria provided, multiple submitters, no conflicts (2 of 4 stars). 2 submissions from 2 submitters: Likely pathogenic (2). Last evaluated 2023-09-07.

Conditions:
Autosomal recessive nonsyndromic hearing loss 18A. Also called: DEAFNESS, AUTOSOMAL RECESSIVE 18; Deafness, autosomal recessive 18A. Identifiers: Orphanet 90636, MedGen C1865870, MONDO:0011192, OMIM 602092.

Submissions (2):

Baylor Genetics
Classification: Likely pathogenic for Autosomal recessive nonsyndromic hearing loss 18A. Last evaluated: 2023-09-07. Review status: criteria provided, single submitter. Criteria: ACMG Guidelines, 2015. Collection method: clinical testing. Allele origin: unknown.

Labcorp Genetics (formerly Invitae), Labcorp
Classification: Likely pathogenic. Last evaluated: 2022-08-16. Review status: criteria provided, single submitter. Criteria: Invitae Variant Classification Sherloc (09022015). Collection method: clinical testing. Allele origin: germline.
Comment: In summary, the currently available evidence indicates that the variant is pathogenic, but additional data are needed to prove that conclusively. Therefore, this variant has been classified as Likely Pathogenic. Algorithms developed to predict the effect of sequence changes on RNA splicing suggest that this variant may disrupt the consensus splice site. This sequence change affects an acceptor splice site in intron 1 of the USH1C gene. It is expected to disrupt RNA splicing. Variants that disrupt the donor or acceptor splice site typically lead to a loss of protein function (PMID: 16199547), and loss-of-function variants in USH1C are known to be pathogenic (PMID: 10973247, 17407589, 20301442, 21203349). This variant is not present in population databases (gnomAD no frequency). This variant has not been reported in the literature in individuals affected with USH1C-related conditions.

Literature cited by the submitters: PubMed 16199547 (cited by Labcorp Genetics (formerly Invitae), Labcorp); PubMed 10973247 (cited by Labcorp Genetics (formerly Invitae), Labcorp); PubMed 17407589 (cited by Labcorp Genetics (formerly Invitae), Labcorp); PubMed 20301442 (cited by Labcorp Genetics (formerly Invitae), Labcorp); PubMed 21203349 (cited by Labcorp Genetics (formerly Invitae), Labcorp).

NM_153676.4(USH1C):c.37-1G>C

Gene: USH1C (USH1 protein network component harmonin; minus strand). Cytogenetic location: 11p15.1.
Variant type: single nucleotide variant.
Coding change: c.37-1G>C on transcript NM_153676.4 (MANE Select); the canonical splice acceptor site of the intron before coding-DNA position 37, G replaced by C.
Molecular consequence: splice acceptor variant.
Genome position (GRCh38, 1-based): chr11:17,533,323, C>G on the plus strand (G>C on the coding strand, the complement: USH1C is on the minus strand). VCF-style: chr11-17533323-C-G. GRCh37 (hg19) VCF-style: chr11-17554870-C-G.
Other names: c.37-1G>C (NM_001297764.2, NM_005709.4).
Identifiers: ClinVar variation 1942848 (VCV001942848.6), dbSNP rs2497242255, ClinGen allele CA379801131.